The following is an entry in ClinVar:

ClinVar aggregate classification (germline): Uncertain significance (1 of 4 stars; one submission).

gnomAD v4.1: 7 of 1,613,674 alleles (0.00043%); highest among the groups gnomAD compares: East Asian, 0.016%; no homozygotes.

Submission:

Ambry Genetics
Classification: Uncertain significance. Last evaluated: 2025-10-01. Review status: criteria provided, single submitter. Criteria: Ambry Variant Classification Scheme 2023. Collection method: clinical testing. Allele origin: germline.
Comment: The p.V757A variant (also known as c.2270T>C), located in coding exon 15 of the MYOM1 gene, results from a T to C substitution at nucleotide position 2270. The valine at codon 757 is replaced by alanine, an amino acid with similar properties. This amino acid position is conserved. In addition, the in silico prediction for this alteration is inconclusive. Based on the available evidence, the clinical significance of this variant remains unclear.

NM_003803.4(MYOM1):c.2270T>C (p.Val757Ala)

Gene: MYOM1 (myomesin 1; minus strand). Cytogenetic location: 18p11.31.
Variant type: single nucleotide variant.
Coding change: c.2270T>C on transcript NM_003803.4 (MANE Select); coding-DNA position 2270, T replaced by C.
Protein change: p.Val757Ala; replaces valine 757 with alanine.
Molecular consequence: missense variant.
Genome position (GRCh38, 1-based): chr18:3,134,764, A>G on the plus strand (T>C on the coding strand, the complement: MYOM1 is on the minus strand). VCF-style: chr18-3134764-A-G. GRCh37 (hg19) VCF-style: chr18-3134762-A-G.
Other names: c.2270T>C, p.Val757Ala (NM_019856.2); short protein forms V757A.
Identifiers: ClinVar variation 4555378 (VCV004555378.1).